The following is an entry in ClinVar:

ClinVar aggregate classification (germline): Uncertain significance (1 of 4 stars; one submission).

Submission:

Labcorp Genetics (formerly Invitae), Labcorp
Classification: Uncertain significance. Last evaluated: 2022-07-03. Review status: criteria provided, single submitter. Criteria: Invitae Variant Classification Sherloc (09022015). Collection method: clinical testing. Allele origin: germline.
Comment: In summary, the available evidence is currently insufficient to determine the role of this variant in disease. Therefore, it has been classified as a Variant of Uncertain Significance. Algorithms developed to predict the effect of missense changes on protein structure and function (SIFT, PolyPhen-2, Align-GVGD) all suggest that this variant is likely to be disruptive. This variant has not been reported in the literature in individuals affected with PCARE-related conditions. This variant is not present in population databases (gnomAD no frequency). This sequence change replaces alanine, which is neutral and non-polar, with glycine, which is neutral and non-polar, at codon 304 of the PCARE protein (p.Ala304Gly).

NM_001029883.3(PCARE):c.911C>G (p.Ala304Gly)

Gene: PCARE (photoreceptor cilium actin regulator; minus strand). Cytogenetic location: 2p23.2.
Variant type: single nucleotide variant.
Coding change: c.911C>G on transcript NM_001029883.3 (MANE Select); coding-DNA position 911, C replaced by G.
Protein change: p.Ala304Gly; replaces alanine 304 with glycine.
Molecular consequence: missense variant.
Genome position (GRCh38, 1-based): chr2:29,073,351, G>C on the plus strand (C>G on the coding strand, the complement: PCARE is on the minus strand). VCF-style: chr2-29073351-G-C. GRCh37 (hg19) VCF-style: chr2-29296217-G-C.
Other names: short protein forms A304G.
Identifiers: ClinVar variation 1964929 (VCV001964929.5), dbSNP rs2465278874, ClinGen allele CA346481299.